The following is an entry in ClinVar:

NM_000176.3(NR3C1):c.*3076C>T

Gene: NR3C1 (nuclear receptor subfamily 3 group C member 1; minus strand). Cytogenetic location: 5q31.3.
Variant type: single nucleotide variant.
Coding change: c.*3076C>T on transcript NM_000176.3 (MANE Select); 3076 bases downstream of the stop codon, C replaced by T.
Molecular consequence: 3 prime UTR variant. On other transcripts: non-coding transcript variant (1).
Genome position (GRCh38, 1-based): chr5:143,278,813, G>A on the plus strand (C>T on the coding strand, the complement: NR3C1 is on the minus strand). VCF-style: chr5-143278813-G-A. GRCh37 (hg19) VCF-style: chr5-142658378-G-A.
Other names: c.*3076C>T (NM_001018074.1, NM_001018075.1, NM_001018076.2 and 15 more transcripts); c.*551C>T (NM_001020825.2).
Identifiers: ClinVar variation 351324 (VCV000351324.5), dbSNP rs72542769, ClinGen allele CA10619225.

ClinVar aggregate classification (germline): Likely benign (1 of 4 stars; one submission).

Conditions:
Glucocorticoid resistance. Also called: Gccr deficiency; Glucocorticoid receptor deficiency; Cortisol resistance from glucocorticoid receptor defect; Gcr deficiency; Glucocorticoid resistance, generalized. Identifiers: Orphanet 786, MedGen C1841972, MONDO:0014421, OMIM 615962.

Allele frequency attached by ClinVar (database versions not stated): gnomAD 0.00066 and 0.00103; TOPMed 0.00097; 1000 Genomes Project 30x 0.00593; 1000 Genomes Project 0.00619.

Submission:

Illumina Laboratory Services, Illumina
Classification: Likely benign for Glucocorticoid resistance. Last evaluated: 2018-01-12. Review status: criteria provided, single submitter. Criteria: ICSL Variant Classification Criteria 13 December 2019. Collection method: clinical testing. Allele origin: germline.
Comment: This variant was observed in the ICSL laboratory as part of a predisposition screen in an ostensibly healthy population. It had not been previously curated by ICSL or reported in the Human Gene Mutation Database (HGMD: prior to June 1st, 2018), and was therefore a candidate for classification through an automated scoring system. Utilizing variant allele frequency, disease prevalence and penetrance estimates, and inheritance mode, an automated score was calculated to assess if this variant is too frequent to cause the disease. Based on the score and internal cut-off values, a variant classified as likely benign is not then subjected to further curation. The score for this variant resulted in a classification of likely benign for this disease.